The following is an entry in ClinVar:

ClinVar aggregate classification (germline): Uncertain significance (1 of 4 stars; one submission).

Conditions:
Hereditary spastic paraplegia 7 (SPG7). Also called: SPASTIC PARAPLEGIA 7, AUTOSOMAL RECESSIVE, WITH OR WITHOUT CEREBELLAR ATAXIA; SPG7-related neurologic disorder; Spastic paraplegia 7; Hereditary spastic paraplegia Paraplegin type; Autosomal recessive spastic paraplegia type 7. Identifiers: Orphanet 99013, MedGen C1846564, MONDO:0011803, OMIM 607259.

gnomAD v4.1: 3 of 1,610,894 alleles (0.00019%); highest among the groups gnomAD compares: East Asian, 0.0045%; no homozygotes.

Submission:

Labcorp Genetics (formerly Invitae), Labcorp
Classification: Uncertain significance for Hereditary spastic paraplegia 7. Last evaluated: 2024-10-13. Review status: criteria provided, single submitter. Criteria: Invitae Variant Classification Sherloc (09022015). Collection method: clinical testing. Allele origin: germline.
Comment: This sequence change replaces histidine, which is basic and polar, with leucine, which is neutral and non-polar, at codon 701 of the SPG7 protein (p.His701Leu). This variant is not present in population databases (gnomAD no frequency). This variant has not been reported in the literature in individuals affected with SPG7-related conditions. An algorithm developed to predict the effect of missense changes on protein structure and function (PolyPhen-2) suggests that this variant is likely to be tolerated. This variant disrupts the p.His701 amino acid residue in SPG7. Other variant(s) that disrupt this residue have been determined to be pathogenic (PMID: 24466038, 26756429, 28362824). This suggests that this residue is clinically significant, and that variants that disrupt this residue are likely to be disease-causing. In summary, the available evidence is currently insufficient to determine the role of this variant in disease. Therefore, it has been classified as a Variant of Uncertain Significance.

Literature cited by the submitters: PubMed 24466038; PubMed 26756429; PubMed 28362824.

NM_003119.4(SPG7):c.2102A>T (p.His701Leu)

Gene: SPG7 (SPG7 matrix AAA peptidase subunit, paraplegin; plus strand). Cytogenetic location: 16q24.3.
Variant type: single nucleotide variant.
Coding change: c.2102A>T on transcript NM_003119.4 (MANE Select); coding-DNA position 2102, A replaced by T.
Protein change: p.His701Leu; replaces histidine 701 with leucine.
Molecular consequence: missense variant.
Genome position (GRCh38, 1-based): chr16:89,553,959, A>T. VCF-style: chr16-89553959-A-T. GRCh37 (hg19) VCF-style: chr16-89620367-A-T.
Other names: c.2102A>T, p.His701Leu (NM_001363850.1); short protein forms H701L.
Identifiers: ClinVar variation 3702873 (VCV003702873.2).